The following is an entry in ClinVar:

NC_012920.1(MT-CYB):m.15242G>A

Gene: MT-CYB (mitochondrially encoded cytochrome b; plus strand).
Variant type: single nucleotide variant.
Genome position: chrM-15242-G-A.
Other names: MTCYB, 15242G-A, GLY166TER; G166*.
Identifiers: ClinVar variation 9680 (VCV000009680.5), dbSNP rs207459999, ClinGen allele CA120618.

ClinVar aggregate classification (germline): Likely pathogenic. Review status: reviewed by expert panel (3 of 4 stars). 4 submissions from 4 submitters: Likely pathogenic (1). 3 of the submissions do not count toward it. Last evaluated 2024-01-08.

Conditions:
Primary Mitochondrial Disorders. Identifiers: MedGen CN381104.
Mitochondrial disease. Also called: Mitochondrial disorder; Mitochondrial disorders. Identifiers: Orphanet 68380, MedGen C0751651, MeSH D028361, MONDO:0044970.
Mitochondrial encephalomyopathy. Identifiers: MedGen C0162666, MONDO:0004675.
Leigh syndrome (NULS). Also called: Leigh's necrotizing encephalopathy; Leigh's disease; Leigh's syndrome; LEIGH SYNDROME, NUCLEAR; Leigh Disease; Leigh Syndrome (mtDNA deletion). Identifiers: Orphanet 506, MedGen C2931891, MONDO:0009723, OMIM 256000.

Submissions (4):

ClinGen Mitochondrial Disease Nuclear and Mitochondrial  Variant Curation Expert Panel, ClinGen
Classification: Likely pathogenic for Mitochondrial disease. Last evaluated: 2024-01-08. Review status: reviewed by expert panel. Criteria: clingen mito disease acmg specifications v1-1. Collection method: curation. Allele origin: germline. Inheritance: Mitochondrial inheritance.
Comment: This individual had exercise intolerance, lactic acidosis, encephalomyopathy, hallucinations, depression, memory loss, and seizures. The variant was present at 87-92% heteroplasmy in muscle, 0.7% in blood, and 4-14% in hair roots (PMID:11047755). This variant causes a premature stop in the MT-CYB gene (PVS1_strong). This variant is absent in the GenBank dataset, Helix dataset, and gnomAD v3.1.2 (PM2_supporting). There are no in silico predictors for this type of variant in mitochondrial DNA. Single fiber testing showed higher levels of the variant in ragged red fibers (89±8%) than in non-ragged red fibers (66±26%) p<0.0001 (PS3_supporting, PMID: 11047755). In summary, this variant meets criteria to be classified as likely pathogenic for primary mitochondrial disease inherited in a mitochondrial manner. This classification was approved by the NICHD/NINDS U24 ClinGen Mitochondrial Disease Variant Curation Expert Panel on January 8, 2024. Mitochondrial DNA-specific ACMG/AMP criteria applied (PMID: 32906214): PM2_supporting, PVS1_strong, PS3_supporting.

Variantyx, Inc.
Classification: Likely pathogenic for Primary mitochondrial disorders. Last evaluated: 2026-01-14. Review status: criteria provided, single submitter. Criteria: Variantyx Assertion Criteria 2022. Collection method: clinical testing. Allele origin: germline. Not counted in ClinVar's aggregate classification.
Comment: The m.15242G>A, c.496G>A, p.Gly166* change is a nonsense variant in the MT-CYB gene. Pathogenic variants in this gene have been associated with primary mitochondrial disorders. This variant introduces a premature termination codon, and is expected to alter or truncate at least 10% of the protein (PVS1_Strong). This variant is absent from control populations (PM2). Other reputable laboratories have reported this variant as pathogenic or likely pathogenic, and this classification has been validated by an expert panel in ClinVar (PP5). Based on the current evidence, this variant is classified as likely pathogenic for primary mitochondrial disorders.

Wong Mito Lab, Molecular and Human Genetics, Baylor College of Medicine
Classification: Pathogenic for Leigh syndrome. Last evaluated: 2019-10-17. Review status: criteria provided, single submitter. Criteria: Modified ACMG Guidelines (Unpublished). Collection method: clinical testing. Allele origin: germline. Not counted in ClinVar's aggregate classification.
Comment: The NC_012920.1:m.15242G>A (YP_003024038.1:p.Gly166Ter) variant in MTCYB gene is interpretated to be a Pathogenic variant based on the modified ACMG guidelines (unpublished). This variant meets the following evidence codes: PS3, PS6, PM8, PM9

OMIM
Classification: Pathogenic for ENCEPHALOMYOPATHY, MITOCHONDRIAL. Last evaluated: 2000-12-01. Review status: no assertion criteria provided. Collection method: literature only. Allele origin: germline. Not counted in ClinVar's aggregate classification.

Literature cited by the submitters: PubMed 11047755 (cited by Wong Mito Lab, Molecular and Human Genetics, Baylor College of Medicine and OMIM).